The following is an entry in ClinVar:

ClinVar aggregate classification (germline): Uncertain significance (1 of 4 stars; one submission).

Allele frequency attached by ClinVar (database versions not stated): gnomAD exomes 0.00001; ExAC 0.00003.
gnomAD v4.1: 6 of 1,613,516 alleles (0.00037%); highest among the groups gnomAD compares: Non-Finnish European, 0.00034%; no homozygotes.

Submission:

CeGaT Center for Human Genetics Tuebingen
Classification: Uncertain significance. Last evaluated: 2025-07-01. Review status: criteria provided, single submitter. Criteria: CeGaT Center For Human Genetics Tuebingen Variant Classification Criteria Version 2. Collection method: clinical testing. Allele origin: germline. Affected: yes. Observed: 3 variant alleles.
Comment: HYDIN: PM2, BP4

NM_001270974.2(HYDIN):c.8143A>G (p.Thr2715Ala)

Gene: HYDIN (HYDIN axonemal central pair apparatus protein; minus strand). Cytogenetic location: 16q22.2.
Variant type: single nucleotide variant.
Coding change: c.8143A>G on transcript NM_001270974.2 (MANE Select); coding-DNA position 8143, A replaced by G.
Protein change: p.Thr2715Ala; replaces threonine 2715 with alanine.
Molecular consequence: missense variant.
Genome position (GRCh38, 1-based): chr16:70,908,723, T>C on the plus strand (A>G on the coding strand, the complement: HYDIN is on the minus strand). VCF-style: chr16-70908723-T-C. GRCh37 (hg19) VCF-style: chr16-70942626-T-C.
Other names: short protein forms T2715A.
Identifiers: ClinVar variation 2646741 (VCV002646741.24), dbSNP rs770120112, ClinGen allele CA8149808.